The following is an entry in ClinVar:

ClinVar aggregate classification (germline): Benign. Review status: criteria provided, multiple submitters, no conflicts (2 of 4 stars). 3 submissions from 3 submitters: Benign (2). 1 of the submissions does not count toward it. Last evaluated 2019-08-22.

Conditions:
ABCA7-related disorder. Also called: ABCA7-related condition.

Allele frequency attached by ClinVar (database versions not stated): ESP Exome Variant Server 0.02700; TOPMed 0.03070; gnomAD 0.03244 and 0.03571; gnomAD exomes 0.04332 and 0.04734; 1000 Genomes Project 30x 0.05590; 1000 Genomes Project 0.05911; ExAC 0.07028.
gnomAD v4.1: 68,210 of 1,598,798 alleles (4.3%); highest among the groups gnomAD compares: East Asian, 16%; 2,010 homozygotes.

Submissions (3):

GeneDx
Classification: Benign. Last evaluated: 2019-08-22. Review status: criteria provided, single submitter. Criteria: GeneDx Variant Classification Process June 2021. Collection method: clinical testing. Allele origin: germline. Affected: yes.
Comment: This variant is associated with the following publications: (PMID: 30917570, 31182772)

Breakthrough Genomics
Classification: Benign. Review status: criteria provided, single submitter. Criteria: ACMG Guidelines, 2015. Collection method: not provided. Allele origin: germline. Inheritance: Autosomal dominant inheritance. Affected: yes.

PreventionGenetics, part of Exact Sciences
Classification: Benign for ABCA7-related condition. Last evaluated: 2019-03-05. Review status: no assertion criteria provided. Collection method: clinical testing. Allele origin: germline. Not counted in ClinVar's aggregate classification.
Comment: This variant is classified as benign based on ACMG/AMP sequence variant interpretation guidelines (Richards et al. 2015 PMID: 25741868, with internal and published modifications).

NM_019112.4(ABCA7):c.2153A>C (p.Asn718Thr)

Gene: ABCA7 (ATP binding cassette subfamily A member 7; plus strand). Cytogenetic location: 19p13.3.
Variant type: single nucleotide variant.
Coding change: c.2153A>C on transcript NM_019112.4 (MANE Select); coding-DNA position 2153, A replaced by C.
Protein change: p.Asn718Thr; replaces asparagine 718 with threonine.
Molecular consequence: missense variant.
Genome position (GRCh38, 1-based): chr19:1,047,538, A>C. VCF-style: chr19-1047538-A-C. GRCh37 (hg19) VCF-style: chr19-1047537-A-C.
Other names: short protein forms N718T.
Identifiers: ClinVar variation 1294490 (VCV001294490.5), dbSNP rs3752239, ClinGen allele CA9033321.
Genomic context (GRCh38, chr19:1,047,538, plus strand): 5'-GCTTCGGCTGCGAGAGCCTGGCTCTGCTGGAGGAGCAGGGCGAGGGCGCGCAGTGGCACA[A>C]CGTGGGCACCCGGCCTACGGCAGACGTCTTCAGCCTGGCCCAGGTCTCTGGCCTTCTGCT-3'
Protein context (NP_061985.2, residues 708-728): EEQGEGAQWH[Asn718Thr]VGTRPTADVF